The following is an entry in ClinVar:

NM_005458.8(GABBR2):c.703G>A (p.Asp235Asn)

Genes: GABBR2 (gamma-aminobutyric acid type B receptor subunit 2; minus strand), LOC126860700 (CDK7 strongly-dependent group 2 enhancer GRCh37_chr9:101257622-101258821; plus strand). Cytogenetic location: 9q22.33.
Variant type: single nucleotide variant.
Coding change: c.703G>A on transcript NM_005458.8 (MANE Select); coding-DNA position 703, G replaced by A.
Protein change: p.Asp235Asn; replaces aspartic acid 235 with asparagine.
Molecular consequence: missense variant.
Genome position (GRCh38, 1-based): chr9:98,496,442, C>T on the plus strand (G>A on the coding strand, the complement: GABBR2 is on the minus strand). VCF-style: chr9-98496442-C-T. GRCh37 (hg19) VCF-style: chr9-101258724-C-T.
Other names: short protein forms D235N.
Identifiers: ClinVar variation 941510 (VCV000941510.41), dbSNP rs1046552015, ClinGen allele CA197072030.

ClinVar aggregate classification (germline): Uncertain significance. Review status: criteria provided, multiple submitters, no conflicts (2 of 4 stars). 2 submissions from 2 submitters: Uncertain significance (2). Last evaluated 2022-06-01.

Conditions:
Epileptic encephalopathy. Identifiers: MedGen C0543888, HP:0200134.

Allele frequency attached by ClinVar (database versions not stated): gnomAD exomes below 0.00001 and 0.00001; TOPMed below 0.00001.
gnomAD v4.1: 16 of 1,611,966 alleles (0.00099%); highest among the groups gnomAD compares: Non-Finnish European, 0.0014%; no homozygotes.

Submissions (2):

CeGaT Center for Human Genetics Tuebingen
Classification: Uncertain significance. Last evaluated: 2022-06-01. Review status: criteria provided, single submitter. Criteria: CeGaT Center For Human Genetics Tuebingen Variant Classification Criteria Version 2. Collection method: clinical testing. Allele origin: germline. Affected: yes. Observed: 1 variant allele.
Comment: GABBR2: PM2, PP2

Labcorp Genetics (formerly Invitae), Labcorp
Classification: Uncertain significance for Epileptic encephalopathy. Last evaluated: 2019-09-17. Review status: criteria provided, single submitter. Criteria: Invitae Variant Classification Sherloc (09022015). Collection method: clinical testing. Allele origin: germline.
Comment: This sequence change replaces aspartic acid with asparagine at codon 235 of the GABBR2 protein (p.Asp235Asn). The aspartic acid residue is highly conserved and there is a small physicochemical difference between aspartic acid and asparagine. In summary, the available evidence is currently insufficient to determine the role of this variant in disease. Therefore, it has been classified as a Variant of Uncertain Significance. Algorithms developed to predict the effect of missense changes on protein structure and function are either unavailable or do not agree on the potential impact of this missense change (SIFT: "Deleterious"; PolyPhen-2: "Possibly Damaging"; Align-GVGD: "Class C0"). This variant has not been reported in the literature in individuals with GABBR2-related conditions. This variant is not present in population databases (ExAC no frequency).